The following is an entry in ClinVar:

ClinVar aggregate classification (germline): Likely benign. Review status: criteria provided, single submitter (1 of 4 stars). 2 submissions from 2 submitters: Likely benign (1). 1 of the submissions does not count toward it. Last evaluated 2024-02-29.

Conditions:
Mucopolysaccharidosis, MPS-IV-A (MPS4A). Also called: Morquio syndrome A, mild; MORQUIO SYNDROME A; GALACTOSAMINE-6-SULFATASE DEFICIENCY; GALNS DEFICIENCY; MORQUIO A DISEASE; mucopolysaccharidosis type 4A. Identifiers: Orphanet 309297, Orphanet 582, MedGen C0086651, MONDO:0009659, OMIM 253000.
GALNS-related disorder. Also called: GALNS-related condition.

Submissions (2):

Labcorp Genetics (formerly Invitae), Labcorp
Classification: Likely benign for Mucopolysaccharidosis, MPS-IV-A. Last evaluated: 2024-02-29. Review status: criteria provided, single submitter. Criteria: Invitae Variant Classification Sherloc (09022015). Collection method: clinical testing. Allele origin: germline.

PreventionGenetics, part of Exact Sciences
Classification: Likely benign for GALNS-related condition. Last evaluated: 2022-12-09. Review status: no assertion criteria provided. Collection method: clinical testing. Allele origin: germline. Not counted in ClinVar's aggregate classification.
Comment: This variant is classified as likely benign based on ACMG/AMP sequence variant interpretation guidelines (Richards et al. 2015 PMID: 25741868, with internal and published modifications).

NM_000512.5(GALNS):c.1440C>G (p.Val480=)

Genes: GALNS (galactosamine (N-acetyl)-6-sulfatase; minus strand), LOC126862447 (CDK7 strongly-dependent group 2 enhancer GRCh37_chr16:88884193-88885392; plus strand). Cytogenetic location: 16q24.3.
Variant type: single nucleotide variant.
Coding change: c.1440C>G on transcript NM_000512.5 (MANE Select); coding-DNA position 1440, C replaced by G.
Protein change: p.Val480=; no amino-acid change (valine 480 retained).
Molecular consequence: synonymous variant.
Genome position (GRCh38, 1-based): chr16:88,818,049, G>C on the plus strand (C>G on the coding strand, the complement: GALNS is on the minus strand). VCF-style: chr16-88818049-G-C. GRCh37 (hg19) VCF-style: chr16-88884457-G-C.
Other names: c.885C>G, p.Val295= (NM_001323543.2); c.1458C>G, p.Val486= (NM_001323544.2).
Identifiers: ClinVar variation 3047892 (VCV003047892.4), dbSNP rs1196615015, ClinGen allele CA497095886.